The following is an entry in ClinVar:

ClinVar aggregate classification (germline): Uncertain significance (1 of 4 stars; one submission).

Conditions:
Fanconi anemia complementation group J. Also called: BRIP1-Related Fanconi Anemia. Identifiers: Orphanet 84, MedGen C1836860, MONDO:0012187, OMIM 609054.
Familial cancer of breast. Also called: Hereditary breast cancer; hereditary breast carcinoma; BREAST CANCER, FAMILIAL. Identifiers: Orphanet 227535, MedGen C0346153, MONDO:0016419, OMIM 114480. Disease mechanism: loss of function.

Submission:

Labcorp Genetics (formerly Invitae), Labcorp
Classification: Uncertain significance for Familial cancer of breast; Fanconi anemia complementation group J. Last evaluated: 2025-10-14. Review status: criteria provided, single submitter. Criteria: Invitae Variant Classification Sherloc (09022015). Collection method: clinical testing. Allele origin: germline.
Comment: This sequence change replaces isoleucine, which is neutral and non-polar, with leucine, which is neutral and non-polar, at codon 1218 of the BRIP1 protein (p.Ile1218Leu). This variant is not present in population databases (gnomAD no frequency). This variant has not been reported in the literature in individuals affected with BRIP1-related conditions. Invitae Evidence Modeling of protein sequence and biophysical properties (such as structural, functional, and spatial information, amino acid conservation, physicochemical variation, residue mobility, and thermodynamic stability) indicates that this missense variant is not expected to disrupt BRIP1 protein function with a negative predictive value of 95%. In summary, the available evidence is currently insufficient to determine the role of this variant in disease. Therefore, it has been classified as a Variant of Uncertain Significance.

NM_032043.3(BRIP1):c.3652A>C (p.Ile1218Leu)

Gene: BRIP1 (BRCA1 interacting DNA helicase 1; minus strand). Cytogenetic location: 17q23.2.
Variant type: single nucleotide variant.
Coding change: c.3652A>C on transcript NM_032043.3 (MANE Select); coding-DNA position 3652, A replaced by C.
Protein change: p.Ile1218Leu; replaces isoleucine 1218 with leucine.
Molecular consequence: missense variant.
Genome position (GRCh38, 1-based): chr17:61,683,394, T>G on the plus strand (A>C on the coding strand, the complement: BRIP1 is on the minus strand). VCF-style: chr17-61683394-T-G. GRCh37 (hg19) VCF-style: chr17-59760755-T-G.
Other names: short protein forms I1218L.
Identifiers: ClinVar variation 4783561 (VCV004783561.1).